The following is an entry in ClinVar:

NM_001375524.1(TRRAP):c.8077A>G (p.Ile2693Val)

Gene: TRRAP (transformation/transcription domain associated protein; plus strand). Cytogenetic location: 7q22.1.
Variant type: single nucleotide variant.
Coding change: c.8077A>G on transcript NM_001375524.1 (MANE Select); coding-DNA position 8077, A replaced by G.
Protein change: p.Ile2693Val; replaces isoleucine 2693 with valine.
Molecular consequence: missense variant.
Genome position (GRCh38, 1-based): chr7:98,976,600, A>G. VCF-style: chr7-98976600-A-G. GRCh37 (hg19) VCF-style: chr7-98574223-A-G.
Other names: c.8056A>G (NM_001244580.1); c.8002A>G, p.Ile2668Val (NM_003496.4); c.8056A>G, p.Ile2686Val (NM_001244580.2); short protein forms I2668V, I2686V, I2693V.
Identifiers: ClinVar variation 1948548 (VCV001948548.6), dbSNP rs375624838, ClinGen allele CA4361323.

ClinVar aggregate classification (germline): Conflicting classifications of pathogenicity. Review status: criteria provided, conflicting classifications (1 of 4 stars). 2 submissions from 2 submitters: Uncertain significance (1); Likely benign (1). Last evaluated 2026-08-12.

Conditions:
Inborn genetic diseases. Identifiers: MedGen C0950123, MeSH D030342.

Allele frequency attached by ClinVar (database versions not stated): ExAC 0.00002; TOPMed 0.00003; gnomAD 0.00004; ESP Exome Variant Server 0.00008.
gnomAD v4.1: 26 of 1,614,002 alleles (0.0016%); highest among the groups gnomAD compares: South Asian, 0.015%; no homozygotes.

Submissions (2):

Ambry Genetics
Classification: Likely benign for Inborn genetic diseases. Last evaluated: 2026-08-12. Review status: criteria provided, single submitter. Criteria: Ambry Variant Classification Scheme 2023. Collection method: clinical testing. Allele origin: germline.

Labcorp Genetics (formerly Invitae), Labcorp
Classification: Uncertain significance. Last evaluated: 2022-03-14. Review status: criteria provided, single submitter. Criteria: Invitae Variant Classification Sherloc (09022015). Collection method: clinical testing. Allele origin: germline.
Comment: In summary, the available evidence is currently insufficient to determine the role of this variant in disease. Therefore, it has been classified as a Variant of Uncertain Significance. Algorithms developed to predict the effect of missense changes on protein structure and function (SIFT, PolyPhen-2, Align-GVGD) all suggest that this variant is likely to be tolerated. This variant has not been reported in the literature in individuals affected with TRRAP-related conditions. This variant is present in population databases (rs375624838, gnomAD 0.01%). This sequence change replaces isoleucine, which is neutral and non-polar, with valine, which is neutral and non-polar, at codon 2668 of the TRRAP protein (p.Ile2668Val).